The following is an entry in ClinVar:

NM_021224.6(ZNF462):c.6798G>A (p.Lys2266=)

Gene: ZNF462 (zinc finger protein 462; plus strand). Cytogenetic location: 9q31.2.
Variant type: single nucleotide variant.
Coding change: c.6798G>A on transcript NM_021224.6 (MANE Select); coding-DNA position 6798, G replaced by A.
Protein change: p.Lys2266=; no amino-acid change (lysine 2266 retained).
Molecular consequence: synonymous variant.
Genome position (GRCh38, 1-based): chr9:106,974,239, G>A. VCF-style: chr9-106974239-G-A. GRCh37 (hg19) VCF-style: chr9-109736520-G-A.
Other names: c.4203G>A, p.Lys1401= (NM_001347997.2).
Identifiers: ClinVar variation 4083908 (VCV004083908.8).

ClinVar aggregate classification (germline): Likely benign (1 of 4 stars; one submission).

gnomAD v4.1: 4 of 1,614,082 alleles (0.00025%); highest among the groups gnomAD compares: Non-Finnish European, 0.00034%; no homozygotes.

Submission:

CeGaT Center for Human Genetics Tuebingen
Classification: Likely benign. Last evaluated: 2025-07-01. Review status: criteria provided, single submitter. Criteria: CeGaT Center For Human Genetics Tuebingen Variant Classification Criteria Version 2. Collection method: clinical testing. Allele origin: germline. Affected: yes. Observed: 1 variant allele.
Comment: ZNF462: BP4, BP7